The following is an entry in ClinVar:

NM_001371928.1(AHDC1):c.1210A>G (p.Lys404Glu)

Gene: AHDC1 (AT-hook DNA binding motif containing 1; minus strand). Cytogenetic location: 1p36.11.
Variant type: single nucleotide variant.
Coding change: c.1210A>G on transcript NM_001371928.1 (MANE Select); coding-DNA position 1210, A replaced by G.
Protein change: p.Lys404Glu; replaces lysine 404 with glutamic acid.
Molecular consequence: missense variant.
Genome position (GRCh38, 1-based): chr1:27,550,906, T>C on the plus strand (A>G on the coding strand, the complement: AHDC1 is on the minus strand). VCF-style: chr1-27550906-T-C. GRCh37 (hg19) VCF-style: chr1-27877417-T-C.
Other names: c.1210A>G, p.Lys404Glu (NM_001029882.3); short protein forms K404E.
Identifiers: ClinVar variation 1710373 (VCV001710373.3), dbSNP rs2522033391, ClinGen allele CA339234878.

ClinVar aggregate classification (germline): Uncertain significance (1 of 4 stars; one submission).

Submission:

Greenwood Genetic Center Diagnostic Laboratories, Greenwood Genetic Center
Classification: Uncertain significance. Last evaluated: 2022-08-24. Review status: criteria provided, single submitter. Criteria: ACMG Guidelines, 2015. Collection method: clinical testing. Allele origin: germline. Affected: yes.
Comment: PM2